The following is an entry in ClinVar:

NM_000463.3(UGT1A1):c.538G>C (p.Glu180Gln)

Genes: UGT1A (UDP glucuronosyltransferase family 1 member A complex locus; plus strand), UGT1A1 (UDP glucuronosyltransferase family 1 member A1; plus strand), UGT1A10 (UDP glucuronosyltransferase family 1 member A10; plus strand), UGT1A3 (UDP glucuronosyltransferase family 1 member A3; plus strand), UGT1A4 (UDP glucuronosyltransferase family 1 member A4; plus strand) and 5 more. Cytogenetic location: 2q37.1.
Variant type: single nucleotide variant.
Coding change: c.538G>C on transcript NM_000463.3 (MANE Select); coding-DNA position 538, G replaced by C.
Protein change: p.Glu180Gln; replaces glutamic acid 180 with glutamine.
Molecular consequence: missense variant. On other transcripts: intron variant (9).
Genome position (GRCh38, 1-based): chr2:233,760,825, G>C. VCF-style: chr2-233760825-G-C. GRCh37 (hg19) VCF-style: chr2-234669471-G-C.
Other names: c.856-6209G>C (NM_019076.5, NM_019075.4, NM_021027.3 and 1 more transcripts); c.61-6209G>C (NM_205862.3); c.862-6209G>C (NM_001072.4); c.868-6209G>C (NM_019078.2, NM_007120.3, NM_019093.4); short protein forms E180Q.
Identifiers: ClinVar variation 4988676 (VCV004988676.1).

ClinVar aggregate classification (germline): Uncertain significance (1 of 4 stars; one submission).

Conditions:
UGT1A1-related disorder. Also called: UGT1A1-related disorders; UGT1A1-related condition.

gnomAD v4.1: 4 of 1,613,330 alleles (0.00025%); highest among the groups gnomAD compares: Admixed American, 0.005%; no homozygotes.

Submission:

PreventionGenetics, part of Exact Sciences
Classification: Uncertain significance for UGT1A1-related condition. Last evaluated: 2025-12-30. Review status: criteria provided, single submitter. Criteria: ACMG Guidelines, 2015. Collection method: clinical testing. Allele origin: germline.
Comment: The UGT1A1 c.538G>C variant is predicted to result in the amino acid substitution p.Glu180Gln. This variant was reported in an individual with Gilbert syndrome (Patient 1 in Rodrigues et al. 2012. PubMed ID: 22325916). This variant has not been reported in a large population database (gnomAD), indicating this variant is rare. At this time, the clinical significance of this variant is uncertain due to the absence of conclusive functional and genetic evidence.